The following is an entry in ClinVar:

NM_004304.5(ALK):c.3194A>C (p.Glu1065Ala)

Gene: ALK (ALK receptor tyrosine kinase; minus strand). Cytogenetic location: 2p23.2.
Variant type: single nucleotide variant.
Coding change: c.3194A>C on transcript NM_004304.5 (MANE Select); coding-DNA position 3194, A replaced by C.
Protein change: p.Glu1065Ala; replaces glutamic acid 1065 with alanine.
Molecular consequence: missense variant. On other transcripts: 5 prime UTR variant (1).
Genome position (GRCh38, 1-based): chr2:29,223,507, T>G on the plus strand (A>C on the coding strand, the complement: ALK is on the minus strand). VCF-style: chr2-29223507-T-G. GRCh37 (hg19) VCF-style: chr2-29446373-T-G.
Other names: c.-11A>C (NM_001353765.2); short protein forms E1065A.
Identifiers: ClinVar variation 2566556 (VCV002566556.2), dbSNP rs2148171148, ClinGen allele CA346465660.

ClinVar aggregate classification (germline): Uncertain significance (1 of 4 stars; one submission).

Conditions:
Hereditary cancer-predisposing syndrome. Also called: Neoplastic Syndromes, Hereditary; Hereditary Cancer Syndrome; Hereditary neoplastic syndrome; Tumor predisposition. Identifiers: Orphanet 140162, MedGen C0027672, MeSH D009386, MONDO:0015356.

Submission:

Ambry Genetics
Classification: Uncertain significance for Hereditary cancer-predisposing syndrome. Last evaluated: 2023-03-19. Review status: criteria provided, single submitter. Criteria: Ambry Variant Classification Scheme 2023. Collection method: clinical testing. Allele origin: germline.
Comment: The p.E1065A variant (also known as c.3194A>C), located in coding exon 20 of the ALK gene, results from an A to C substitution at nucleotide position 3194. The glutamic acid at codon 1065 is replaced by alanine, an amino acid with dissimilar properties. This amino acid position is conserved. In addition, the in silico prediction for this alteration is inconclusive. Since supporting evidence is limited at this time, the clinical significance of this alteration remains unclear.